The following is an entry in ClinVar:

ClinVar aggregate classification (germline): Uncertain significance. Review status: criteria provided, multiple submitters, no conflicts (2 of 4 stars). 2 submissions from 2 submitters: Uncertain significance (2). Last evaluated 2022-12-17.

Conditions:
Hereditary cancer-predisposing syndrome. Also called: Neoplastic Syndromes, Hereditary; Tumor predisposition; Hereditary neoplastic syndrome; Hereditary Cancer Syndrome. Identifiers: Orphanet 140162, MedGen C0027672, MeSH D009386, MONDO:0015356.
Ataxia-telangiectasia-like disorder (ATLD). Identifiers: MedGen C1858391, MONDO:0011457.

Allele frequency attached by ClinVar (database versions not stated): gnomAD exomes below 0.00001.
gnomAD v4.1: 1 of 1,612,626 alleles (0.000062%); highest among the groups gnomAD compares: Non-Finnish European, 0.000085%; no homozygotes.

Submissions (2):

Ambry Genetics
Classification: Uncertain significance for Hereditary cancer-predisposing syndrome. Last evaluated: 2022-12-17. Review status: criteria provided, single submitter. Criteria: Ambry Variant Classification Scheme 2023. Collection method: clinical testing. Allele origin: germline.
Comment: The p.I238V variant (also known as c.712A>G), located in coding exon 7 of the MRE11A gene, results from an A to G substitution at nucleotide position 712. The isoleucine at codon 238 is replaced by valine, an amino acid with highly similar properties. This amino acid position is highly conserved through mammals but not in all available vertebrate species. In addition, this alteration is predicted to be tolerated by in silico analysis. Since supporting evidence is limited at this time, the clinical significance of this alteration remains unclear.

Labcorp Genetics (formerly Invitae), Labcorp
Classification: Uncertain significance for Ataxia-telangiectasia-like disorder. Last evaluated: 2022-10-24. Review status: criteria provided, single submitter. Criteria: Invitae Variant Classification Sherloc (09022015). Collection method: clinical testing. Allele origin: germline.
Comment: In summary, the available evidence is currently insufficient to determine the role of this variant in disease. Therefore, it has been classified as a Variant of Uncertain Significance. This sequence change replaces isoleucine, which is neutral and non-polar, with valine, which is neutral and non-polar, at codon 238 of the MRE11 protein (p.Ile238Val). This variant is not present in population databases (gnomAD no frequency). This variant has not been reported in the literature in individuals affected with MRE11-related conditions. ClinVar contains an entry for this variant (Variation ID: 826856). Algorithms developed to predict the effect of missense changes on protein structure and function (SIFT, PolyPhen-2, Align-GVGD) all suggest that this variant is likely to be tolerated.

NM_005591.4(MRE11):c.712A>G (p.Ile238Val)

Gene: MRE11 (MRE11 double strand break repair nuclease; minus strand). Cytogenetic location: 11q21.
Variant type: single nucleotide variant.
Coding change: c.712A>G on transcript NM_005591.4 (MANE Select); coding-DNA position 712, A replaced by G.
Protein change: p.Ile238Val; replaces isoleucine 238 with valine.
Molecular consequence: missense variant.
Genome position (GRCh38, 1-based): chr11:94,471,707, T>C on the plus strand (A>G on the coding strand, the complement: MRE11 is on the minus strand). VCF-style: chr11-94471707-T-C. GRCh37 (hg19) VCF-style: chr11-94204873-T-C.
Other names: c.712A>G, p.Ile238Val (NM_001330347.2, NM_005590.4); short protein forms I238V.
Identifiers: ClinVar variation 826856 (VCV000826856.14), dbSNP rs1591695421, ClinGen allele CA382375846.